The following is an entry in ClinVar:

ClinVar aggregate classification (germline): Uncertain significance (1 of 4 stars; one submission).

gnomAD v4.1: 2 of 1,613,100 alleles (0.00012%); highest among the groups gnomAD compares: South Asian, 0.0022%; no homozygotes.

Submission:

ARUP Laboratories, Molecular Genetics and Genomics, ARUP Laboratories
Classification: Uncertain significance. Last evaluated: 2023-12-04. Review status: criteria provided, single submitter. Criteria: ARUP Molecular Germline Variant Investigation Process 2024. Collection method: clinical testing. Allele origin: germline.
Comment: The SERPINH1 c.419T>G; p.Val140Gly variant (rs1942090607), to our knowledge, is not reported in the medical literature or gene specific databases. This variant is also absent from the Genome Aggregation Database (v2.1.1), indicating it is not a common polymorphism. Computational analyses predict that this variant is deleterious (REVEL: 0.739). However, given the lack of clinical and functional data, the significance of this variant is uncertain at this time.

NM_001235.5(SERPINH1):c.419T>G (p.Val140Gly)

Gene: SERPINH1 (serpin family H member 1; plus strand). Cytogenetic location: 11q13.5.
Variant type: single nucleotide variant.
Coding change: c.419T>G on transcript NM_001235.5 (MANE Select); coding-DNA position 419, T replaced by G.
Protein change: p.Val140Gly; replaces valine 140 with glycine.
Molecular consequence: missense variant.
Genome position (GRCh38, 1-based): chr11:75,566,768, T>G. VCF-style: chr11-75566768-T-G. GRCh37 (hg19) VCF-style: chr11-75277813-T-G.
Other names: c.419T>G, p.Val140Gly (NM_001207014.3); short protein forms V140G.
Identifiers: ClinVar variation 3766737 (VCV003766737.1).